The following is an entry in ClinVar:

ClinVar aggregate classification (germline): Uncertain significance (1 of 4 stars; one submission).

Allele frequency attached by ClinVar (database versions not stated): gnomAD 0.00002; gnomAD exomes 0.00003; TOPMed 0.00004.
gnomAD v4.1: 52 of 1,612,060 alleles (0.0032%); highest among the groups gnomAD compares: African/African-American, 0.0053%; no homozygotes.

Submission:

Labcorp Genetics (formerly Invitae), Labcorp
Classification: Uncertain significance. Last evaluated: 2025-06-27. Review status: criteria provided, single submitter. Criteria: Invitae Variant Classification Sherloc (09022015). Collection method: clinical testing. Allele origin: germline.
Comment: This sequence change affects codon 131 of the CARD8 mRNA. It is a 'silent' change, meaning that it does not change the encoded amino acid sequence of the CARD8 protein. It affects a nucleotide within the consensus splice site. This variant is present in population databases (rs201348979, gnomAD 0.002%). This variant has not been reported in the literature in individuals affected with CARD8-related conditions. ClinVar contains an entry for this variant (Variation ID: 1904473). Algorithms developed to predict the effect of sequence changes on RNA splicing suggest that this variant is not likely to affect RNA splicing. In summary, the available evidence is currently insufficient to determine the role of this variant in disease. Therefore, it has been classified as a Variant of Uncertain Significance.

NM_001184900.3(CARD8):c.543C>T (p.Ser181=)

Gene: CARD8 (caspase recruitment domain family member 8; minus strand). Cytogenetic location: 19q13.33.
Variant type: single nucleotide variant.
Coding change: c.543C>T on transcript NM_001184900.3 (MANE Select); coding-DNA position 543, C replaced by T.
Protein change: p.Ser181=; no amino-acid change (serine 181 retained).
Molecular consequence: synonymous variant. On other transcripts: non-coding transcript variant (4).
Genome position (GRCh38, 1-based): chr19:48,231,006, G>A on the plus strand (C>T on the coding strand, the complement: CARD8 is on the minus strand). VCF-style: chr19-48231006-G-A. GRCh37 (hg19) VCF-style: chr19-48734263-G-A.
Other names: c.393C>T, p.Ser131= (NM_001184901.1, NM_001351783.2, NM_001351788.2 and 2 more transcripts); c.543C>T, p.Ser181= (NM_001184902.2, NM_001184903.1, NM_001351782.2); c.228C>T, p.Ser76= (NM_001351784.2, NM_001351787.2, NM_001351791.2 and 2 more transcripts); c.207C>T, p.Ser69= (NM_001351786.2); c.300C>T, p.Ser100= (NM_001351790.2).
Identifiers: ClinVar variation 1904473 (VCV001904473.5), dbSNP rs201348979, ClinGen allele CA309289819.